The following continues an entry in ClinVar:

NM_000152.5(GAA):c.2662G>T (p.Glu888Ter)

Gene: GAA. ClinVar aggregate classification (germline): Pathogenic. Pathogenic (1).

Submissions 11 to 14 of 14:

Broad Center for Mendelian Genomics, Broad Institute of MIT and Harvard
Classification: Pathogenic for Glycogen storage disease, type II. Last evaluated: 2020-01-22. Review status: criteria provided, single submitter. Criteria: ACMG Guidelines, 2015. Collection method: curation. Allele origin: germline. Inheritance: Autosomal recessive inheritance. Not counted in ClinVar's aggregate classification.
Comment: The p.Glu888Ter variant in GAA has been reported in at least 8 individuals with glycogen storage disease (PMID: 25526786, 21232767, 18458862, 17723315, 16531044) and has been identified in 0.027% (5/18392) of East Asian chromosomes by the Genome Aggregation Database (gnomAD; dbSNP rs765718882). Although this variant has been seen in the general population, its frequency is low enough to be consistent with a recessive carrier frequency. This variant has also been reported in ClinVar as pathogenic by Invitae and Integrated Genetics (VariationID: 578595). This nonsense variant leads to a premature termination codon at position 888, which is predicted to lead to a truncated or absent protein. Loss of function of the GAA gene is an established disease mechanism in autosomal recessive glycogen storage disease. The phenotype of individuals homozygous for this variant is highly specific for glycogen storage disease based on GAA enzyme activity in lymphocytes and fibroblasts being <10% of wild type, consistent with disease (PMID: 25526786, 21232767, 17723315, 18458862). In addition, the presence of this variant in individuals with glycogen storage disease has been observed in combination with reported pathogenic and likely pathogenic variants (VariationID: 265160, 4027, 4029, 4032; PMID: 25526786, 21232767, 18458862, 17723315, 16531044). In summary, this variant meets criteria to be classified as pathogenic for glycogen storage disease II in an autosomal recessive manner based on the prediction that it will cause loss of function of the GAA gene and the presence of the variant in combination with numerous other pathogenic variants in affected individuals with phenotypes highly specific for GAA. ACMG/AMP Criteria applied: PVS1, PM3_supporting, PP4_moderate, PM2 (Richards 2015).

Women's Health and Genetics/Laboratory Corporation of America, LabCorp
Classification: Pathogenic for Glycogen storage disease, type II. Last evaluated: 2018-12-20. Review status: criteria provided, single submitter. Criteria: LabCorp Variant Classification Summary - May 2015. Collection method: clinical testing. Allele origin: germline. Not counted in ClinVar's aggregate classification.
Comment: Variant summary: GAA c.2662G>T (p.Glu888X) results in a premature termination codon, predicted to cause a truncation of the encoded protein or absence of the protein due to nonsense mediated decay, which are commonly known mechanisms for disease. The variant allele was found at a frequency of 2e-05 in 245054 control chromosomes (gnomAD). The variant, c.2662G>T, has been reported in the literature in individuals affected with Glycogen Storage Disease, Type 2 (Pompe Disease) in both compound heterozygotes and homozygotes (Kostera-Pruszczyk_2006, Liu_2014, Chen_2017), and is one of the most common disease variant in Northern Chinese. These data indicate that the variant is likely to be associated with disease. One clinical diagnostic laboratory has submitted clinical-significance assessments for this variant to ClinVar after 2014 without evidence for independent evaluation and classified the variant as pathogenic. Based on the evidence outlined above, the variant was classified as pathogenic.

CeGaT Center for Human Genetics Tuebingen
Classification: Pathogenic. Last evaluated: 2018-02-01. Review status: criteria provided, single submitter. Criteria: CeGaT Center For Human Genetics Tuebingen Variant Classification Criteria Version 2. Collection method: clinical testing. Allele origin: germline. Affected: yes. Observed: 1 variant allele. Not counted in ClinVar's aggregate classification.

Juno Genomics, Hangzhou Juno Genomics, Inc
Classification: Pathogenic for Glycogen storage disease, type II; Glycogen storage disease due to acid maltase deficiency, late-onset. Review status: criteria provided, single submitter. Criteria: ACMG Guidelines, 2015. Collection method: clinical testing. Allele origin: germline. Affected: yes. Not counted in ClinVar's aggregate classification.
Comment: Absent from controls (or at extremely low frequency if recessive) in Genome Aggregation Database.;Null variant in a gene where loss of function (LOF) is a known mechanism of disease.;For recessive disorders, detected in trans with a pathogenic variant.;Patient's phenotype or family history is highly specific for a disease with a single genetic etiology.

Literature cited by the submitters: PubMed 25626711 (cited by ClinGen Lysosomal Storage Disorder Variant Curation Expert Panel); PubMed 25526786 (cited by 3 submitters); PubMed 31743840 (cited by ClinGen Lysosomal Storage Disorder Variant Curation Expert Panel); PubMed 24269976 (cited by ClinGen Lysosomal Storage Disorder Variant Curation Expert Panel); PubMed 27417441 (cited by ClinGen Lysosomal Storage Disorder Variant Curation Expert Panel); PubMed 18458862 (cited by 3 submitters); PubMed 25455803 (cited by ClinGen Lysosomal Storage Disorder Variant Curation Expert Panel); PubMed 16531044 (cited by 5 submitters); PubMed 17723315 (cited by 5 submitters); PubMed 21232767 (cited by ClinGen Lysosomal Storage Disorder Variant Curation Expert Panel and Broad Center for Mendelian Genomics, Broad Institute of MIT and Harvard); PubMed 28394184 (cited by 3 submitters); PubMed 39010129 (cited by Genomenon, Inc); PubMed 38739391 (cited by Genomenon, Inc); PubMed 38450370 (cited by Genomenon, Inc); PubMed 38162137 (cited by Genomenon, Inc); PubMed 37542277 (cited by Genomenon, Inc); PubMed 36105079 (cited by Genomenon, Inc); PubMed 35833019 (cited by Genomenon, Inc); PubMed 35705384 (cited by Genomenon, Inc); PubMed 33073009 (cited by Genomenon, Inc); PubMed 32849613 (cited by Genomenon, Inc); PubMed 20080426 (cited by Natera, Inc. and Labcorp Genetics (formerly Invitae), Labcorp); PubMed 18425781 (cited by Labcorp Genetics (formerly Invitae), Labcorp); PubMed 22252923 (cited by Labcorp Genetics (formerly Invitae), Labcorp); PubMed 21644219 (cited by Labcorp Genetics (formerly Invitae), Labcorp); PubMed 28032299 (cited by Labcorp Genetics (formerly Invitae), Labcorp).